The following is an entry in ClinVar:

ClinVar aggregate classification (germline): Uncertain significance (1 of 4 stars; one submission).

Conditions:
Alagille syndrome due to a JAG1 point mutation. Also called: HEPATIC DUCTULAR HYPOPLASIA, SYNDROMATIC; JAG1-Related Alagille Syndrome; Alagille Syndrome 1. Identifiers: Orphanet 261619, Orphanet 52, MedGen C1956125, MONDO:0016862, OMIM 118450.

Submission:

Labcorp Genetics (formerly Invitae), Labcorp
Classification: Uncertain significance for Alagille syndrome due to a JAG1 point mutation. Last evaluated: 2025-01-21. Review status: criteria provided, single submitter. Criteria: Invitae Variant Classification Sherloc (09022015). Collection method: clinical testing. Allele origin: germline.
Comment: This sequence change replaces aspartic acid, which is acidic and polar, with glycine, which is neutral and non-polar, at codon 1024 of the JAG1 protein (p.Asp1024Gly). This variant is not present in population databases (gnomAD no frequency). This variant has not been reported in the literature in individuals affected with JAG1-related conditions. Invitae Evidence Modeling of protein sequence and biophysical properties (such as structural, functional, and spatial information, amino acid conservation, physicochemical variation, residue mobility, and thermodynamic stability) indicates that this missense variant is not expected to disrupt JAG1 protein function with a negative predictive value of 95%. In summary, the available evidence is currently insufficient to determine the role of this variant in disease. Therefore, it has been classified as a Variant of Uncertain Significance.

NM_000214.3(JAG1):c.3071A>G (p.Asp1024Gly)

Gene: JAG1 (jagged canonical Notch ligand 1; minus strand). Cytogenetic location: 20p12.2.
Variant type: single nucleotide variant.
Coding change: c.3071A>G on transcript NM_000214.3 (MANE Select); coding-DNA position 3071, A replaced by G.
Protein change: p.Asp1024Gly; replaces aspartic acid 1024 with glycine.
Molecular consequence: missense variant.
Genome position (GRCh38, 1-based): chr20:10,640,911, T>C on the plus strand (A>G on the coding strand, the complement: JAG1 is on the minus strand). VCF-style: chr20-10640911-T-C. GRCh37 (hg19) VCF-style: chr20-10621559-T-C.
Other names: short protein forms D1024G.
Identifiers: ClinVar variation 3649995 (VCV003649995.2).